The following is an entry in ClinVar:

ClinVar aggregate classification (germline): Conflicting classifications of pathogenicity. Review status: criteria provided, conflicting classifications (1 of 4 stars). 5 submissions from 5 submitters: Uncertain significance (2); Likely benign (3). Last evaluated 2026-03-20.

Conditions:
Cardiovascular phenotype. Identifiers: MedGen CN230736.
Brugada syndrome. Also called: Sudden Unexplained Death Syndrome; Sudden Unexplained Nocturnal Death Syndrome (SUNDS); Sudden unexplained nocturnal death syndrome; Sudden unexpected nocturnal death syndrome. Identifiers: Orphanet 130, MedGen C1142166, MONDO:0015263.
SCN10A-related disorder. Also called: SCN10A-related condition.
Episodic pain syndrome, familial, 2 (FEPS2). Identifiers: Orphanet 306577, MedGen C3809893, MONDO:0014246, OMIM 615551.

Allele frequency attached by ClinVar (database versions not stated): gnomAD exomes 0.00001 and 0.00006; ExAC 0.00008; gnomAD 0.00019 and 0.00021; TOPMed 0.00023; ESP Exome Variant Server 0.00031.
gnomAD v4.1: 48 of 1,614,082 alleles (0.003%); highest among the groups gnomAD compares: African/African-American, 0.061%; no homozygotes.

Submissions (5):

GeneDx
Classification: Uncertain significance. Last evaluated: 2026-03-20. Review status: criteria provided, single submitter. Criteria: GeneDx Variant Classification Process June 2021. Collection method: clinical testing. Allele origin: germline.
Comment: In silico analysis suggests that this missense variant does not alter protein structure/function; Has not been previously published as pathogenic or benign to our knowledge

PreventionGenetics, part of Exact Sciences
Classification: Likely benign for SCN10A-related condition. Last evaluated: 2025-12-23. Review status: criteria provided, single submitter. Criteria: ACMG Guidelines, 2015. Collection method: clinical testing. Allele origin: germline.
Comment: This variant is classified as likely benign based on ACMG/AMP sequence variant interpretation guidelines (Richards et al. 2015 PMID: 25741868, with internal and published modifications).

Labcorp Genetics (formerly Invitae), Labcorp
Classification: Likely benign for Brugada syndrome. Last evaluated: 2025-04-18. Review status: criteria provided, single submitter. Criteria: Invitae Variant Classification Sherloc (09022015). Collection method: clinical testing. Allele origin: germline.

Fulgent Genetics
Classification: Uncertain significance for Episodic pain syndrome, familial, 2. Last evaluated: 2021-09-06. Review status: criteria provided, single submitter. Criteria: ACMG Guidelines, 2015. Collection method: clinical testing. Allele origin: unknown.

Ambry Genetics
Classification: Likely benign for Cardiovascular phenotype. Last evaluated: 2019-06-06. Review status: criteria provided, single submitter. Criteria: Ambry Variant Classification Scheme 2023. Collection method: clinical testing. Allele origin: germline.

NM_006514.4(SCN10A):c.5630C>T (p.Pro1877Leu)

Gene: SCN10A (sodium voltage-gated channel alpha subunit 10; minus strand). Cytogenetic location: 3p22.2.
Variant type: single nucleotide variant.
Coding change: c.5630C>T on transcript NM_006514.4 (MANE Select); coding-DNA position 5630, C replaced by T.
Protein change: p.Pro1877Leu; replaces proline 1877 with leucine.
Molecular consequence: missense variant.
Genome position (GRCh38, 1-based): chr3:38,697,590, G>A on the plus strand (C>T on the coding strand, the complement: SCN10A is on the minus strand). VCF-style: chr3-38697590-G-A. GRCh37 (hg19) VCF-style: chr3-38739081-G-A.
Other names: c.5627C>T, p.Pro1876Leu (NM_001293306.2); c.5336C>T, p.Pro1779Leu (NM_001293307.2); short protein forms P1779L, P1876L, P1877L.
Identifiers: ClinVar variation 941023 (VCV000941023.11), dbSNP rs143523403, ClinGen allele CA2319630.